The following is an entry in ClinVar:

NM_014956.5(CEP164):c.2834_2844+13dup

Gene: CEP164 (centrosomal protein 164; plus strand). Cytogenetic location: 11q23.3.
Variant type: Duplication.
Coding change: c.2834_2844+13dup on transcript NM_014956.5 (MANE Select); coding-DNA position 2834 through 13 bases into the intron after coding-DNA position 2844, 24 bases duplicated (TGGAGGTCCAGGTGAGGGATCTGC).
Molecular consequence: splice donor variant.
Genome position (GRCh38, 1-based): chr11:117,394,993-117,395,016, TGGAGGTCCAGGTGAGGGATCTGC duplicated; duplicating any 24 consecutive bases within chr11:117,394,988-117,395,016 gives the same sequence; the c. name uses the placement nearest the transcript's 3' end. VCF-style (leftmost placement, unchanged base first): chr11-117394987-C-CTCTGCTGGAGGTCCAGGTGAGGGA. GRCh37 (hg19) VCF-style: chr11-117265703-C-CTCTGCTGGAGGTCCAGGTGAGGGA.
Other names: c.2843_2853+13dup (NM_001271933.2).
Identifiers: ClinVar variation 1507285 (VCV001507285.8), dbSNP rs765251449, ClinGen allele CA6295225.

ClinVar aggregate classification (germline): Uncertain significance. Review status: criteria provided, multiple submitters, no conflicts (2 of 4 stars). 3 submissions from 3 submitters: Uncertain significance (3). Last evaluated 2024-05-02.

Conditions:
Nephronophthisis 15 (NPHP15). Identifiers: Orphanet 3156, MedGen C3541853, MONDO:0013917, OMIM 614845.

Submissions (3):

Fulgent Genetics
Classification: Uncertain significance for Nephronophthisis 15. Last evaluated: 2024-05-02. Review status: criteria provided, single submitter. Criteria: ACMG Guidelines, 2015. Collection method: clinical testing. Allele origin: germline.

Labcorp Genetics (formerly Invitae), Labcorp
Classification: Uncertain significance for Nephronophthisis 15. Last evaluated: 2022-08-05. Review status: criteria provided, single submitter. Criteria: Invitae Variant Classification Sherloc (09022015). Collection method: clinical testing. Allele origin: germline.
Comment: This sequence change falls in intron 22 of the CEP164 gene. It does not directly change the encoded amino acid sequence of the CEP164 protein. This variant is present in population databases (rs765251449, gnomAD 0.01%). This variant has not been reported in the literature in individuals affected with CEP164-related conditions. ClinVar contains an entry for this variant (Variation ID: 1507285). Algorithms developed to predict the effect of sequence changes on RNA splicing suggest that this variant may disrupt the consensus splice site. In summary, the available evidence is currently insufficient to determine the role of this variant in disease. Therefore, it has been classified as a Variant of Uncertain Significance.

Blueprint Genetics
Classification: Uncertain significance. Last evaluated: 2022-04-04. Review status: criteria provided, single submitter. Criteria: ACMG Guidelines, 2015. Collection method: clinical testing. Allele origin: germline.